The following is an entry in ClinVar:

ClinVar aggregate classification (germline): Uncertain significance (1 of 4 stars; one submission).

Allele frequency attached by ClinVar (database versions not stated): gnomAD exomes below 0.00001.
gnomAD v4.1: 1 of 1,611,832 alleles (0.000062%); highest among the groups gnomAD compares: East Asian, 0.0022%; no homozygotes.

Submission:

Labcorp Genetics (formerly Invitae), Labcorp
Classification: Uncertain significance. Last evaluated: 2022-07-06. Review status: criteria provided, single submitter. Criteria: Invitae Variant Classification Sherloc (09022015). Collection method: clinical testing. Allele origin: germline.
Comment: In summary, the available evidence is currently insufficient to determine the role of this variant in disease. Therefore, it has been classified as a Variant of Uncertain Significance. Algorithms developed to predict the effect of missense changes on protein structure and function (SIFT, PolyPhen-2, Align-GVGD) all suggest that this variant is likely to be tolerated. This variant has not been reported in the literature in individuals affected with ADCY1-related conditions. This variant is not present in population databases (gnomAD no frequency). This sequence change replaces serine, which is neutral and polar, with proline, which is neutral and non-polar, at codon 113 of the ADCY1 protein (p.Ser113Pro).

NM_021116.4(ADCY1):c.337T>C (p.Ser113Pro)

Gene: ADCY1 (adenylate cyclase 1; plus strand). Cytogenetic location: 7p12.3.
Variant type: single nucleotide variant.
Coding change: c.337T>C on transcript NM_021116.4 (MANE Select); coding-DNA position 337, T replaced by C.
Protein change: p.Ser113Pro; replaces serine 113 with proline.
Molecular consequence: missense variant. On other transcripts: intron variant (1).
Genome position (GRCh38, 1-based): chr7:45,574,880, T>C. VCF-style: chr7-45574880-T-C. GRCh37 (hg19) VCF-style: chr7-45614479-T-C.
Other names: c.-330-9T>C (NM_001281768.2); short protein forms S113P.
Identifiers: ClinVar variation 1998034 (VCV001998034.4), dbSNP rs2483864153, ClinGen allele CA367558504.